The following is an entry in ClinVar:

NM_000836.4(GRIN2D):c.3583C>G (p.Leu1195Val)

Gene: GRIN2D (glutamate ionotropic receptor NMDA type subunit 2D; plus strand). Cytogenetic location: 19q13.33.
Variant type: single nucleotide variant.
Coding change: c.3583C>G on transcript NM_000836.4 (MANE Select); coding-DNA position 3583, C replaced by G.
Protein change: p.Leu1195Val; replaces leucine 1195 with valine.
Molecular consequence: missense variant.
Genome position (GRCh38, 1-based): chr19:48,443,509, C>G. VCF-style: chr19-48443509-C-G. GRCh37 (hg19) VCF-style: chr19-48946766-C-G.
Other names: short protein forms L1195V.
Identifiers: ClinVar variation 2318958 (VCV002318958.5), dbSNP rs2513693590, ClinGen allele CA406676964.
Genomic context (GRCh38, chr19:48,443,509, plus strand): 5'-CCGGCCGCCTGGCACTGTCGGCACTGCGCCAGCCTGGAGCTGCTGCCGCCGCCGCGCCAT[C>G]TCAGCTGCTCGCACGATGGCCTGGACGGCGGCTGGTGGGCGCCACCGCCTCCACCCTGGG-3'
Protein context (NP_000827.2, residues 1185-1205): SLELLPPPRH[Leu1195Val]SCSHDGLDGG

ClinVar aggregate classification (germline): Uncertain significance. Review status: criteria provided, multiple submitters, no conflicts (2 of 4 stars). 2 submissions from 2 submitters: Uncertain significance (2). Last evaluated 2025-03-18.

Conditions:
Inborn genetic diseases. Identifiers: MedGen C0950123, MeSH D030342.

Allele frequency attached by ClinVar (database versions not stated): gnomAD exomes below 0.00001.
gnomAD v4.1: 1 of 1,350,250 alleles (0.000074%); highest among the groups gnomAD compares: Non-Finnish European, 0.000095%; no homozygotes.

Submissions (2):

Labcorp Genetics (formerly Invitae), Labcorp
Classification: Uncertain significance. Last evaluated: 2025-03-18. Review status: criteria provided, single submitter. Criteria: Invitae Variant Classification Sherloc (09022015). Collection method: clinical testing. Allele origin: germline.
Comment: This sequence change replaces leucine, which is neutral and non-polar, with valine, which is neutral and non-polar, at codon 1195 of the GRIN2D protein (p.Leu1195Val). This variant is not present in population databases (gnomAD no frequency). This variant has not been reported in the literature in individuals affected with GRIN2D-related conditions. ClinVar contains an entry for this variant (Variation ID: 2318958). Invitae Evidence Modeling of protein sequence and biophysical properties (such as structural, functional, and spatial information, amino acid conservation, physicochemical variation, residue mobility, and thermodynamic stability) indicates that this missense variant is not expected to disrupt GRIN2D protein function with a negative predictive value of 95%. In summary, the available evidence is currently insufficient to determine the role of this variant in disease. Therefore, it has been classified as a Variant of Uncertain Significance.

Ambry Genetics
Classification: Uncertain significance for Inborn genetic diseases. Last evaluated: 2022-10-25. Review status: criteria provided, single submitter. Criteria: Ambry Variant Classification Scheme 2023. Collection method: clinical testing. Allele origin: germline.